The following is an entry in ClinVar:

ClinVar aggregate classification (germline): Uncertain significance (1 of 4 stars; one submission).

Conditions:
Autosomal recessive distal spinal muscular atrophy 1. Also called: NEURONOPATHY, DISTAL HEREDITARY MOTOR, HARDING TYPE VI; NEUROPATHY, DISTAL HEREDITARY MOTOR, AUTOSOMAL RECESSIVE 1; HMN VI; NEURONOPATHY, SEVERE INFANTILE AXONAL, WITH RESPIRATORY FAILURE; SEVERE INFANTILE AXONAL NEUROPATHY WITH RESPIRATORY FAILURE; SPINAL MUSCULAR ATROPHY, DIAPHRAGMATIC. Identifiers: Orphanet 98920, MedGen C1858517, MONDO:0011436, OMIM 604320.
Charcot-Marie-Tooth disease axonal type 2S. Also called: CHARCOT-MARIE-TOOTH NEUROPATHY, TYPE 2S; CHARCOT-MARIE-TOOTH DISEASE, AXONAL, AUTOSOMAL RECESSIVE, TYPE 2S. Identifiers: Orphanet 443073, MedGen C4015349, MONDO:0014511, OMIM 616155.

Allele frequency attached by ClinVar (database versions not stated): gnomAD exomes below 0.00001.
gnomAD v4.1: 3 of 1,613,554 alleles (0.00019%); highest among the groups gnomAD compares: Non-Finnish European, 0.00025%; no homozygotes.

Submission:

Labcorp Genetics (formerly Invitae), Labcorp
Classification: Uncertain significance for Autosomal recessive distal spinal muscular atrophy 1; Charcot-Marie-Tooth disease axonal type 2S. Last evaluated: 2021-08-31. Review status: criteria provided, single submitter. Criteria: Invitae Variant Classification Sherloc (09022015). Collection method: clinical testing. Allele origin: germline.
Comment: This sequence change replaces glycine with aspartic acid at codon 86 of the IGHMBP2 protein (p.Gly86Asp). The glycine residue is moderately conserved and there is a moderate physicochemical difference between glycine and aspartic acid. This variant is not present in population databases (ExAC no frequency). This variant has not been reported in the literature in individuals affected with IGHMBP2-related conditions. Algorithms developed to predict the effect of missense changes on protein structure and function are either unavailable or do not agree on the potential impact of this missense change (SIFT: "Deleterious"; PolyPhen-2: "Probably Damaging"; Align-GVGD: "Class C0"). In summary, the available evidence is currently insufficient to determine the role of this variant in disease. Therefore, it has been classified as a Variant of Uncertain Significance.

NM_002180.3(IGHMBP2):c.257G>A (p.Gly86Asp)

Gene: IGHMBP2 (immunoglobulin mu DNA binding protein 2; plus strand). Cytogenetic location: 11q13.3.
Variant type: single nucleotide variant.
Coding change: c.257G>A on transcript NM_002180.3 (MANE Select); coding-DNA position 257, G replaced by A.
Protein change: p.Gly86Asp; replaces glycine 86 with aspartic acid.
Molecular consequence: missense variant.
Genome position (GRCh38, 1-based): chr11:68,908,145, G>A. VCF-style: chr11-68908145-G-A. GRCh37 (hg19) VCF-style: chr11-68675613-G-A.
Other names: short protein forms G86D.
Identifiers: ClinVar variation 658936 (VCV000658936.6), dbSNP rs1594417834, ClinGen allele CA381642999.